The following is an entry in ClinVar:

NM_001374736.1(DST):c.4550T>C (p.Ile1517Thr)

Gene: DST (dystonin; minus strand). Cytogenetic location: 6p12.1.
Variant type: single nucleotide variant.
Coding change: c.4550T>C on transcript NM_001374736.1 (MANE Select); coding-DNA position 4550, T replaced by C.
Protein change: p.Ile1517Thr; replaces isoleucine 1517 with threonine.
Molecular consequence: missense variant.
Genome position (GRCh38, 1-based): chr6:56,628,087, A>G on the plus strand (T>C on the coding strand, the complement: DST is on the minus strand). VCF-style: chr6-56628087-A-G. GRCh37 (hg19) VCF-style: chr6-56492885-A-G.
Other names: c.4451T>C, p.Ile1484Thr (NM_001144769.5); c.4037T>C, p.Ile1346Thr (NM_001144770.2); c.4550T>C, p.Ile1517Thr (NM_001374722.1); c.3917T>C, p.Ile1306Thr (NM_001374729.1, NM_001374730.1, NM_001386100.1 and 1 more transcripts); c.4577T>C, p.Ile1526Thr (NM_001374734.1); c.2939T>C, p.Ile980Thr (NM_001723.7, NM_015548.5); short protein forms I1484T, I1526T, I1346T, I1517T, I980T, I1306T.
Identifiers: ClinVar variation 1346461 (VCV001346461.6), dbSNP rs2152753208, ClinGen allele CA364573350.

ClinVar aggregate classification (germline): Uncertain significance (1 of 4 stars; one submission).

Conditions:
Hereditary sensory and autonomic neuropathy type 6. Also called: HSAN VI; Neuropathy, hereditary sensory and autonomic, type VI. Identifiers: Orphanet 314381, MedGen C3539003, MONDO:0013839, OMIM 614653.
Epidermolysis bullosa simplex 3, localized or generalized intermediate, with BP230 deficiency (EBS3). Also called: Epidermolysis bullosa simplex, autosomal recessive 2; Epidermolysis bullosa simplex due to BP230 deficiency. Identifiers: Orphanet 412181, MedGen C3809470, MONDO:0014180, OMIM 615425.

Submission:

Labcorp Genetics (formerly Invitae), Labcorp
Classification: Uncertain significance for Epidermolysis bullosa simplex 3, localized or generalized intermediate, with BP230 deficiency; Hereditary sensory and autonomic neuropathy type 6. Last evaluated: 2021-04-05. Review status: criteria provided, single submitter. Criteria: Invitae Variant Classification Sherloc (09022015). Collection method: clinical testing. Allele origin: germline.
Comment: Algorithms developed to predict the effect of missense changes on protein structure and function (SIFT, PolyPhen-2, Align-GVGD) all suggest that this variant is likely to be disruptive, but these predictions have not been confirmed by published functional studies and their clinical significance is uncertain. In summary, the available evidence is currently insufficient to determine the role of this variant in disease. Therefore, it has been classified as a Variant of Uncertain Significance. This variant has not been reported in the literature in individuals with DST-related conditions. This variant is not present in population databases (ExAC no frequency). This sequence change replaces isoleucine with threonine at codon 980 of the DST protein (p.Ile980Thr). The isoleucine residue is highly conserved and there is a moderate physicochemical difference between isoleucine and threonine.